The following is an entry in ClinVar:

NM_004370.6(COL12A1):c.9176A>G (p.Tyr3059Cys)

Gene: COL12A1 (collagen type XII alpha 1 chain; minus strand). Cytogenetic location: 6q13.
Variant type: single nucleotide variant.
Coding change: c.9176A>G on transcript NM_004370.6 (MANE Select); coding-DNA position 9176, A replaced by G.
Protein change: p.Tyr3059Cys; replaces tyrosine 3059 with cysteine.
Molecular consequence: missense variant.
Genome position (GRCh38, 1-based): chr6:75,087,582, T>C on the plus strand (A>G on the coding strand, the complement: COL12A1 is on the minus strand). VCF-style: chr6-75087582-T-C. GRCh37 (hg19) VCF-style: chr6-75797298-T-C.
Other names: c.9176A>G, p.Tyr3059Cys (NM_001424113.1); c.9155A>G, p.Tyr3052Cys (NM_001424114.1); c.8903A>G, p.Tyr2968Cys (NM_001424115.1); c.5684A>G, p.Tyr1895Cys (NM_001424116.1, NM_080645.3); short protein forms Y1895C, Y3052C, Y3059C, Y2968C.
Identifiers: ClinVar variation 2938675 (VCV002938675.3), dbSNP rs2149322660, ClinGen allele CA364732595.

ClinVar aggregate classification (germline): Uncertain significance (1 of 4 stars; one submission).

Conditions:
Ullrich congenital muscular dystrophy 2 (UCMD2). Identifiers: Orphanet 75840, MedGen C4225314, MONDO:0014654, OMIM 616470.
Bethlem myopathy 2 (BTHLM2). Identifiers: Orphanet 536516, Orphanet 610, MedGen C4225313, MONDO:0034022, OMIM 616471.

Submission:

Labcorp Genetics (formerly Invitae), Labcorp
Classification: Uncertain significance for Bethlem myopathy 2; Ullrich congenital muscular dystrophy 2. Last evaluated: 2024-01-25. Review status: criteria provided, single submitter. Criteria: Invitae Variant Classification Sherloc (09022015). Collection method: clinical testing. Allele origin: germline.
Comment: This sequence change replaces tyrosine, which is neutral and polar, with cysteine, which is neutral and slightly polar, at codon 3059 of the COL12A1 protein (p.Tyr3059Cys). This variant is not present in population databases (gnomAD no frequency). This variant has not been reported in the literature in individuals affected with COL12A1-related conditions. An algorithm developed to predict the effect of missense changes on protein structure and function (PolyPhen-2) suggests that this variant is likely to be disruptive. In summary, the available evidence is currently insufficient to determine the role of this variant in disease. Therefore, it has been classified as a Variant of Uncertain Significance.